The following is an entry in ClinVar:

ClinVar aggregate classification (germline): Benign (1 of 4 stars; one submission).

Allele frequency attached by ClinVar (database versions not stated): gnomAD 0.39665 and 0.39886; TOPMed 0.40694; 1000 Genomes Project 30x 0.49303; 1000 Genomes Project 0.49616.
gnomAD v4.1: 44,156 of 111,043 alleles (40%); highest among the groups gnomAD compares: African/African-American, 61%; 7,136 homozygotes.

Submission:

GeneDx
Classification: Benign. Last evaluated: 2018-06-14. Review status: criteria provided, single submitter. Criteria: GeneDx Variant Classification (06012015). Collection method: clinical testing. Allele origin: germline. Affected: yes.
Comment: This variant is considered likely benign or benign based on one or more of the following criteria: it is a conservative change, it occurs at a poorly conserved position in the protein, it is predicted to be benign by multiple in silico algorithms, and/or has population frequency not consistent with disease.

NM_004006.3(DMD):c.8391-287T>C

Gene: DMD (dystrophin; minus strand). Cytogenetic location: Xp21.2.
Variant type: single nucleotide variant.
Coding change: c.8391-287T>C on transcript NM_004006.3 (MANE Select); 287 bases into the intron before coding-DNA position 8391, T replaced by C.
Molecular consequence: intron variant.
Genome position (GRCh38, 1-based): chrX:31,497,231, A>G on the plus strand (T>C on the coding strand, the complement: DMD is on the minus strand). VCF-style: chrX-31497231-A-G. GRCh37 (hg19) VCF-style: chrX-31515348-A-G.
Other names: c.8367-287T>C (NM_000109.4); c.4368-287T>C (NM_004011.4); c.4359-287T>C (NM_004012.4); c.1011-287T>C (NM_004023.3, NM_004020.4, NM_004022.3 and 2 more transcripts); c.204-287T>C (NM_004014.3); c.8379-287T>C (NM_004009.3); c.8022-287T>C (NM_004010.3).
Identifiers: ClinVar variation 680560 (VCV000680560.1), dbSNP rs5927759, ClinGen allele CA15057110.